The following is an entry in ClinVar:

NM_014384.3(ACAD8):c.859G>C (p.Ala287Pro)

Gene: ACAD8 (acyl-CoA dehydrogenase family member 8; plus strand). Cytogenetic location: 11q25.
Variant type: single nucleotide variant.
Coding change: c.859G>C on transcript NM_014384.3 (MANE Select); coding-DNA position 859, G replaced by C.
Protein change: p.Ala287Pro; replaces alanine 287 with proline.
Molecular consequence: missense variant.
Genome position (GRCh38, 1-based): chr11:134,261,292, G>C. VCF-style: chr11-134261292-G-C. GRCh37 (hg19) VCF-style: chr11-134131186-G-C.
Other names: short protein forms A287P.
Identifiers: ClinVar variation 3023377 (VCV003023377.3), dbSNP rs2136082599, ClinGen allele CA383516973.

ClinVar aggregate classification (germline): Uncertain significance (1 of 4 stars; one submission).

Conditions:
Deficiency of isobutyryl-CoA dehydrogenase. Also called: ACYL-CoA DEHYDROGENASE FAMILY, MEMBER 8, DEFICIENCY OF; IBD DEFICIENCY; ACAD8 DEFICIENCY. Identifiers: Orphanet 79159, MedGen C1969809, MONDO:0012648, OMIM 611283.

Submission:

Labcorp Genetics (formerly Invitae), Labcorp
Classification: Uncertain significance for Deficiency of isobutyryl-CoA dehydrogenase. Last evaluated: 2024-01-04. Review status: criteria provided, single submitter. Criteria: Invitae Variant Classification Sherloc (09022015). Collection method: clinical testing. Allele origin: germline.
Comment: This sequence change replaces alanine, which is neutral and non-polar, with proline, which is neutral and non-polar, at codon 287 of the ACAD8 protein (p.Ala287Pro). This variant is not present in population databases (gnomAD no frequency). This variant has not been reported in the literature in individuals affected with ACAD8-related conditions. Advanced modeling of protein sequence and biophysical properties (such as structural, functional, and spatial information, amino acid conservation, physicochemical variation, residue mobility, and thermodynamic stability) performed at Invitae indicates that this missense variant is expected to disrupt ACAD8 protein function with a positive predictive value of 80%. In summary, the available evidence is currently insufficient to determine the role of this variant in disease. Therefore, it has been classified as a Variant of Uncertain Significance.